The following is an entry in ClinVar:

ClinVar aggregate classification (germline): Conflicting classifications of pathogenicity. Review status: criteria provided, conflicting classifications (1 of 4 stars). 2 submissions from 2 submitters: Likely pathogenic (1); Uncertain significance (1). Last evaluated 2025-06-20.

Conditions:
Hereditary cancer-predisposing syndrome. Also called: Neoplastic Syndromes, Hereditary; Hereditary Cancer Syndrome; Tumor predisposition; Hereditary neoplastic syndrome. Identifiers: Orphanet 140162, MedGen C0027672, MeSH D009386, MONDO:0015356.
EGFR-related lung cancer (EGFR). Identifiers: MedGen CN130014.

Submissions (2):

Ambry Genetics
Classification: Uncertain significance for Hereditary cancer-predisposing syndrome. Last evaluated: 2025-06-20. Review status: criteria provided, single submitter. Criteria: Ambry Variant Classification Scheme 2023. Collection method: clinical testing. Allele origin: germline.
Comment: The c.3115-1G>A intronic variant results from a G to A substitution one nucleotide upstream from coding exon 26 of the EGFR gene. Alterations that disrupt the canonical splice site are expected to result in aberrant splicing. In silico splice site analysis predicts that this alteration will weaken the native splice acceptor site. A resulting transcript is predicted to be in-frame and is not expected to trigger nonsense-mediated mRNAdecay; although, direct evidence is unavailable. This nucleotide position is highly conserved in available vertebrate species. Based on the available evidence, the clinical significance of this variant remains unclear.

Labcorp Genetics (formerly Invitae), Labcorp
Classification: Likely pathogenic for EGFR-related lung cancer. Last evaluated: 2023-01-10. Review status: criteria provided, single submitter. Criteria: Invitae Variant Classification Sherloc (09022015). Collection method: clinical testing. Allele origin: germline.
Comment: In summary, the currently available evidence indicates that the variant is pathogenic, but additional data are needed to prove that conclusively. Therefore, this variant has been classified as Likely Pathogenic. Algorithms developed to predict the effect of sequence changes on RNA splicing suggest that this variant may disrupt the consensus splice site. ClinVar contains an entry for this variant (Variation ID: 1476821). This variant has not been reported in the literature in individuals affected with EGFR-related conditions. This variant is not present in population databases (gnomAD no frequency). This sequence change affects an acceptor splice site in intron 25 of the EGFR gene. It is expected to disrupt RNA splicing. Variants that disrupt the donor or acceptor splice site typically lead to a loss of protein function (PMID: 16199547), and loss-of-function variants in EGFR are known to be pathogenic (PMID: 7630400, 28726809, 29899996).

Literature cited by the submitters: PubMed 16199547 (cited by Labcorp Genetics (formerly Invitae), Labcorp); PubMed 7630400 (cited by Labcorp Genetics (formerly Invitae), Labcorp); PubMed 28726809 (cited by Labcorp Genetics (formerly Invitae), Labcorp); PubMed 29899996 (cited by Labcorp Genetics (formerly Invitae), Labcorp).

NM_005228.5(EGFR):c.3115-1G>A

Gene: EGFR (epidermal growth factor receptor; plus strand). Cytogenetic location: 7p11.2.
Variant type: single nucleotide variant.
Coding change: c.3115-1G>A on transcript NM_005228.5 (MANE Select); the canonical splice acceptor site of the intron before coding-DNA position 3115, G replaced by A.
Molecular consequence: splice acceptor variant.
Genome position (GRCh38, 1-based): chr7:55,201,734, G>A. VCF-style: chr7-55201734-G-A. GRCh37 (hg19) VCF-style: chr7-55269427-G-A.
Other names: c.2980-1G>A (NM_001346899.2, NM_001346897.2); c.2314-1G>A (NM_001346941.2); c.3115-1G>A (NM_001346898.2, NM_005228.3); c.2956-1G>A (NM_001346900.2).
Identifiers: ClinVar variation 1476821 (VCV001476821.8), dbSNP rs142231053, ClinGen allele CA367582851.
Genomic context (GRCh38, chr7:55,201,734, plus strand): 5'-GGAAAAGTGGATGAGATGTGGTACAAGCATTCCATGGGCAACTTCTCTGTTTCTTTTTCA[G>A]AGTGCAACCAGCAACAATTCCACCGTGGCTTGCATTGATAGAAATGGGGTATGTATGAAC-3'